The following is an entry in ClinVar:

ClinVar aggregate classification (germline): Conflicting classifications of pathogenicity. Review status: criteria provided, conflicting classifications (1 of 4 stars). 23 submissions from 22 submitters: Uncertain significance (3); Benign (4); Likely benign (10). 6 of the submissions do not count toward it. Last evaluated 2026-03-10.

Conditions:
Hereditary cancer-predisposing syndrome. Also called: Neoplastic Syndromes, Hereditary; Tumor predisposition; Hereditary Cancer Syndrome; Hereditary neoplastic syndrome. Identifiers: Orphanet 140162, MedGen C0027672, MeSH D009386, MONDO:0015356.
BRCA2-related disorder. Also called: BRCA2-related condition; BRCA2-related disorders. Identifiers: MedGen CN239275.
Familial pancreatic carcinoma. Identifiers: Orphanet 1333, MedGen C2931038, MONDO:0015278, OMIM 260350.
Hereditary breast ovarian cancer syndrome. Also called: Breast and ovarian cancer; BRCA1- and BRCA2-Associated Hereditary Breast and Ovarian Cancer; Hereditary breast and ovarian cancer syndrome; Hereditary breast and/or ovarian cancer syndrome; Hereditary breast and ovarian cancer syndrome (HBOC); Hereditary breast and ovarian cancer. Identifiers: Orphanet 145, MedGen C0677776, MeSH D061325, MONDO:0003582. Disease mechanism: loss of function.
Breast-ovarian cancer, familial, susceptibility to, 2 (BROVCA2). Also called: BRCA2 Hereditary Breast and Ovarian Cancer. Identifiers: Orphanet 145, MedGen C2675520, MONDO:0012933, OMIM 612555. Disease mechanism: loss of function.
Fanconi anemia complementation group D1. Also called: BRCA2-Related Fanconi Anemia. Identifiers: Orphanet 319462, MedGen C1838457, MONDO:0011584, OMIM 605724.

Allele frequency attached by ClinVar (database versions not stated): gnomAD 0.00003 and 0.00011; TOPMed 0.00004; gnomAD exomes 0.00048; ExAC 0.00052; 1000 Genomes Project 30x 0.00109; 1000 Genomes Project 0.00140.
gnomAD v4.1: 345 of 1,613,968 alleles (0.021%); highest among the groups gnomAD compares: South Asian, 0.32%; 3 homozygotes.

Submissions 1 to 18 of 23:

Women's Health and Genetics/Laboratory Corporation of America, LabCorp
Classification: Likely benign. Last evaluated: 2026-03-10. Review status: criteria provided, single submitter. Criteria: LabCorp Variant Classification Summary - May 2015. Collection method: clinical testing. Allele origin: germline.
Comment: Variant summary: BRCA2 c.5986G>A (p.Ala1996Thr) results in a non-conservative amino acid change located in the BRCA2 repeat domain (IPR002093) of the encoded protein sequence. Five of five in-silico tools predict a damaging effect of the variant on protein function. The variant allele was found at a frequency of 0.00048 in 251738 control chromosomes, predominantly at a frequency of 0.0037 within the South Asian subpopulation in the gnomAD database, including 1 homozygotes. The observed variant frequency within South Asian control individuals in the gnomAD database is approximately 5 fold of the estimated maximal expected allele frequency for a pathogenic variant in BRCA2 causing Hereditary Breast And Ovarian Cancer Syndrome phenotype (0.00075). c.5986G>A has been reported in the literature in individuals with breast/ovarian cancer or pancreatic cancer (example, Juwle_2012, Kanchi_2014, Levanat_2012, Chan_2018, Darooei_2017, Lai_2017, Santonocito_2020, Wen_2018, Corso_2023, Muhammad_2023, Krivokuca_2022) but also, in healthy controls (e.g. Lai_2017, Wen_2018). These report(s) do not provide unequivocal conclusions about association of the variant with Hereditary Breast And Ovarian Cancer Syndrome. To our knowledge, no experimental evidence demonstrating an impact on protein function has been reported. The following publications have been ascertained in the context of this evaluation (PMID: 30093976, 37460658, 28231738, 28301460, 22752604, 24448499, 34284872, 28222693, 22366370, 37951914, 32438681, 28993434). ClinVar contains an entry for this variant (Variation ID: 51982). Based on the evidence outlined above, the variant was classified as likely benign.

Labcorp Genetics (formerly Invitae), Labcorp
Classification: Benign for Hereditary breast ovarian cancer syndrome. Last evaluated: 2026-01-31. Review status: criteria provided, single submitter. Criteria: Invitae Variant Classification Sherloc (09022015). Collection method: clinical testing. Allele origin: germline.

Dasa
Classification: Benign for Breast-ovarian cancer, familial, susceptibility to, 2. Last evaluated: 2024-12-16. Review status: criteria provided, single submitter. Criteria: DASA Assertion Criteria. Collection method: clinical testing. Allele origin: germline.
Comment: NM_000059.4(BRCA2):c.5986G>A (p.Ala1996Thr) is a missense variant that results in the substitution of alanine with threonine. Population frequency is inconsistent with a disease-causing role for this variant, and the variant context is inconsistent with a known disease-causing mechanism. Therefore, based on the currently available evidence, this variant is classified as benign.

Blueprint Genetics
Classification: Likely benign. Last evaluated: 2024-11-27. Review status: criteria provided, single submitter. Criteria: ACMG Guidelines, 2015. Collection method: clinical testing. Allele origin: germline.

Department of Pathology and Laboratory Medicine, Sinai Health System
Classification: Likely benign for Familial pancreatic carcinoma. Last evaluated: 2024-04-15. Review status: criteria provided, single submitter. Criteria: ACMG Guidelines, 2015. Collection method: clinical testing. Allele origin: germline. Affected: yes.

University of Washington Department of Laboratory Medicine, University of Washington
Classification: Likely benign for Hereditary cancer-predisposing syndrome. Last evaluated: 2023-03-23. Review status: criteria provided, single submitter. Criteria: Dines et al. (Genet Med. 2020). Collection method: curation. Allele origin: germline.
Comment: Missense variant in a coldspot region where missense variants are very unlikely to be pathogenic (PMID:31911673).

BRCA2 exon 11 coldspot. Reclassification based on statistical prior probability.

National Health Laboratory Service, Universitas Academic Hospital and University of the Free State
Classification: Uncertain significance for Hereditary breast ovarian cancer syndrome. Last evaluated: 2021-11-16. Review status: criteria provided, single submitter. Criteria: ACMG Guidelines, 2015. Collection method: clinical testing. Allele origin: germline. Affected: yes. Observed: 1 variant allele.

Genetics Program, Instituto Nacional de Cancer
Classification: Uncertain significance for Hereditary breast ovarian cancer syndrome. Last evaluated: 2021-11-01. Review status: criteria provided, single submitter. Criteria: ACMG Guidelines, 2015. Collection method: research. Allele origin: germline. Affected: yes.

Sema4
Classification: Likely benign for Hereditary cancer-predisposing syndrome. Last evaluated: 2021-05-03. Review status: criteria provided, single submitter. Criteria: Sema4 Curation Guidelines. Collection method: curation. Allele origin: germline.

GeneDx
Classification: Likely benign. Last evaluated: 2020-03-24. Review status: criteria provided, single submitter. Criteria: GeneDx Variant Classification Process June 2021. Collection method: clinical testing. Allele origin: germline. Affected: yes.
Comment: This variant is associated with the following publications: (PMID: 30093976, 24448499, 22366370, 22752604, 28222693, 28231738, 28301460, 28993434, 31131967, 30055349, 32846166)

Genetic Services Laboratory, University of Chicago
Classification: Likely benign. Last evaluated: 2019-12-11. Review status: criteria provided, single submitter. Criteria: ACMG Guidelines, 2015. Collection method: clinical testing. Allele origin: germline. Affected: no.

Quest Diagnostics Nichols Institute San Juan Capistrano
Classification: Benign. Last evaluated: 2018-08-02. Review status: criteria provided, single submitter. Criteria: Quest Diagnostics criteria. Collection method: clinical testing. Allele origin: unknown.

Ambry Genetics
Classification: Likely benign for Hereditary cancer-predisposing syndrome. Last evaluated: 2018-04-19. Review status: criteria provided, single submitter. Criteria: Ambry Variant Classification Scheme 2023. Collection method: clinical testing. Allele origin: germline.

Illumina Laboratory Services, Illumina
Classification: Likely benign for Breast-ovarian cancer, familial, susceptibility to, 2. Last evaluated: 2017-04-27. Review status: criteria provided, single submitter. Criteria: ICSL Variant Classification Criteria 13 December 2019. Collection method: clinical testing. Allele origin: germline.
Comment: This variant was observed as part of a predisposition screen in an ostensibly healthy population. A literature search was performed for the gene, cDNA change, and amino acid change (where applicable). Publications were found based on this search. The evidence from the literature, in combination with allele frequency data from public databases where available, was sufficient to determine this variant is unlikely to cause disease. Therefore, this variant is classified as likely benign.

Illumina Laboratory Services, Illumina
Classification: Likely benign for Fanconi anemia complementation group D1. Last evaluated: 2017-04-27. Review status: criteria provided, single submitter. Criteria: ICSL Variant Classification Criteria 13 December 2019. Collection method: clinical testing. Allele origin: germline.
Comment: the same text as in the submission from Illumina Laboratory Services, Illumina above.

Color Diagnostics, LLC DBA Color Health
Classification: Benign for Hereditary cancer-predisposing syndrome. Last evaluated: 2016-03-28. Review status: criteria provided, single submitter. Criteria: ACMG Guidelines, 2015. Collection method: clinical testing. Allele origin: germline.

Laboratory for Molecular Medicine, Mass General Brigham Personalized Medicine
Classification: Uncertain significance. Last evaluated: 2016-03-28. Review status: criteria provided, single submitter. Criteria: LMM Criteria. Collection method: clinical testing. Allele origin: germline.
Comment: Variant identified in a genome or exome case(s) and assessed due to predicted null impact of the variant or pathogenic assertions in the literature or databases. Disclaimer: This variant has not undergone full assessment. The following are preliminary notes: ClinVar: 3 B/LB, 2 VUS; 1 paper in HGMD

BRCAlab, Lund University
Classification: Uncertain significance for Breast-ovarian cancer, familial, susceptibility to, 2. Last evaluated: 2020-03-02. Review status: no assertion criteria provided. Collection method: clinical testing. Allele origin: germline. Affected: yes. Not counted in ClinVar's aggregate classification.

NM_000059.4(BRCA2):c.5986G>A (p.Ala1996Thr)

Gene: BRCA2 (BRCA2 DNA repair associated; plus strand). Cytogenetic location: 13q13.1.
Variant type: single nucleotide variant.
Coding change: c.5986G>A on transcript NM_000059.4 (MANE Select); coding-DNA position 5986, G replaced by A.
Protein change: p.Ala1996Thr; replaces alanine 1996 with threonine.
Molecular consequence: missense variant.
Genome position (GRCh38, 1-based): chr13:32,340,341, G>A. VCF-style: chr13-32340341-G-A. GRCh37 (hg19) VCF-style: chr13-32914478-G-A.
Other names: p.A1996T:GCA>ACA; NP_000050.3:p.Ala1996Thr; 6214G>A; short protein forms A1996T.
Identifiers: ClinVar variation 51982 (VCV000051982.84), dbSNP rs80358833, ClinGen allele CA023455.
Genomic context (GRCh38, chr13:32,340,341, plus strand): 5'-GGGATTTTTAGCACAGCAAGTGGAAAATCTGTCCAGGTATCAGATGCTTCATTACAAAAC[G>A]CAAGACAAGTGTTTTCTGAAATAGAAGATAGTACCAAGCAAGTCTTTTCCAAAGTATTGT-3'
Protein context (NP_000050.3, residues 1986-2006): VQVSDASLQN[Ala1996Thr]RQVFSEIEDS